The following is an entry in ClinVar:

ClinVar aggregate classification (germline): Uncertain significance. Review status: criteria provided, multiple submitters, no conflicts (2 of 4 stars). 4 submissions from 4 submitters: Uncertain significance (4). Last evaluated 2024-11-01.

Conditions:
Hereditary nonpolyposis colorectal neoplasms. Identifiers: MedGen C0009405, MeSH D003123.
Lynch syndrome 4 (LYNCH4). Also called: Colorectal cancer, hereditary nonpolyposis, type 4; Hereditary non-polyposis colorectal cancer, type 4. Identifiers: Orphanet 144, MedGen C1838333, MONDO:0013699, OMIM 614337. Disease mechanism: loss of function.
Hereditary cancer-predisposing syndrome. Also called: Neoplastic Syndromes, Hereditary; Tumor predisposition; Hereditary neoplastic syndrome; Hereditary Cancer Syndrome. Identifiers: Orphanet 140162, MedGen C0027672, MeSH D009386, MONDO:0015356.

Allele frequency attached by ClinVar (database versions not stated): gnomAD exomes below 0.00001.
gnomAD v4.1: 2 of 1,614,012 alleles (0.00012%); highest among the groups gnomAD compares: South Asian, 0.0011%; no homozygotes.

Submissions (4):

Molecular Pathology, Peter Maccallum Cancer Centre
Classification: Uncertain significance for Lynch syndrome 4. Last evaluated: 2024-11-01. Review status: criteria provided, single submitter. Criteria: ACMG Guidelines, 2015. Collection method: clinical testing. Allele origin: germline. Inheritance: Autosomal dominant inheritance.

Ambry Genetics
Classification: Uncertain significance for Hereditary cancer-predisposing syndrome. Last evaluated: 2023-09-14. Review status: criteria provided, single submitter. Criteria: Ambry Variant Classification Scheme 2023. Collection method: clinical testing. Allele origin: germline.
Comment: The p.G197D variant (also known as c.590G>A), located in coding exon 6 of the PMS2 gene, results from a G to A substitution at nucleotide position 590. The glycine at codon 197 is replaced by aspartic acid, an amino acid with similar properties. This amino acid position is highly conserved in available vertebrate species. In addition, this alteration is predicted to be deleterious by in silico analysis. Since supporting evidence is limited at this time, the clinical significance of this alteration remains unclear.

Labcorp Genetics (formerly Invitae), Labcorp
Classification: Uncertain significance for Hereditary nonpolyposis colorectal neoplasms. Last evaluated: 2021-09-01. Review status: criteria provided, single submitter. Criteria: Invitae Variant Classification Sherloc (09022015). Collection method: clinical testing. Allele origin: germline.
Comment: This sequence change replaces glycine with aspartic acid at codon 197 of the PMS2 protein (p.Gly197Asp). The glycine residue is moderately conserved and there is a moderate physicochemical difference between glycine and aspartic acid. This variant is not present in population databases (ExAC no frequency). This variant has not been reported in the literature in individuals affected with PMS2-related conditions. Algorithms developed to predict the effect of missense changes on protein structure and function are either unavailable or do not agree on the potential impact of this missense change (SIFT: "Tolerated"; PolyPhen-2: "Probably Damaging"; Align-GVGD: "Class C0"). In summary, the available evidence is currently insufficient to determine the role of this variant in disease. Therefore, it has been classified as a Variant of Uncertain Significance.

GeneDx
Classification: Uncertain significance. Last evaluated: 2019-10-09. Review status: criteria provided, single submitter. Criteria: GeneDx Variant Classification Process June 2021. Collection method: clinical testing. Allele origin: germline. Affected: yes.
Comment: Not observed at a significant frequency in large population cohorts (Lek 2016); In silico analysis, which includes protein predictors and evolutionary conservation, supports a deleterious effect; Has not been previously published as pathogenic or benign to our knowledge

NM_000535.7(PMS2):c.590G>A (p.Gly197Asp)

Gene: PMS2 (PMS1 homolog 2, mismatch repair system component; minus strand). Cytogenetic location: 7p22.1.
Variant type: single nucleotide variant.
Coding change: c.590G>A on transcript NM_000535.7 (MANE Select); coding-DNA position 590, G replaced by A.
Protein change: p.Gly197Asp; replaces glycine 197 with aspartic acid.
Molecular consequence: missense variant. On other transcripts: 5 prime UTR variant (2), non-coding transcript variant (1), intron variant (1).
Genome position (GRCh38, 1-based): chr7:5,999,223, C>T on the plus strand (G>A on the coding strand, the complement: PMS2 is on the minus strand). VCF-style: chr7-5999223-C-T. GRCh37 (hg19) VCF-style: chr7-6038854-C-T.
Other names: c.185G>A, p.Gly62Asp (NM_001322003.2, NM_001322004.2, NM_001322005.2 and 2 more transcripts); c.590G>A, p.Gly197Asp (NM_001322006.2, NM_001322014.2); c.272G>A, p.Gly91Asp (NM_001322007.2, NM_001322008.2); c.-344G>A (NM_001322011.2, NM_001322012.2); c.281G>A, p.Gly94Asp (NM_001322015.2); c.133-1800G>A (NM_001322013.2); short protein forms G94D, G197D, G62D, G91D.
Identifiers: ClinVar variation 826050 (VCV000826050.14), dbSNP rs1260124992, ClinGen allele CA366744026.